The following is an entry in ClinVar:

ClinVar aggregate classification (germline): Uncertain significance. Review status: criteria provided, multiple submitters, no conflicts (2 of 4 stars). 2 submissions from 2 submitters: Uncertain significance (2). Last evaluated 2023-05-29.

Conditions:
ERBB4-related disorder. Also called: ERBB4-related condition.

Allele frequency attached by ClinVar (database versions not stated): TOPMed below 0.00001.
gnomAD v4.1: 20 of 1,613,916 alleles (0.0012%); highest among the groups gnomAD compares: Non-Finnish European, 0.0015%; no homozygotes.

Submissions (2):

PreventionGenetics, part of Exact Sciences
Classification: Uncertain significance for ERBB4-related condition. Last evaluated: 2023-05-29. Review status: criteria provided, single submitter. Criteria: ACMG Guidelines, 2015. Collection method: clinical testing. Allele origin: germline.
Comment: The ERBB4 c.3525A>C variant is predicted to result in the amino acid substitution p.Arg1175Ser. To our knowledge, this variant has not been reported in the literature. This variant is reported in 0.011% of alleles in individuals of African descent in gnomAD. At this time, the clinical significance of this variant is uncertain due to the absence of conclusive functional and genetic evidence.

Labcorp Genetics (formerly Invitae), Labcorp
Classification: Uncertain significance. Last evaluated: 2022-12-13. Review status: criteria provided, single submitter. Criteria: Invitae Variant Classification Sherloc (09022015). Collection method: clinical testing. Allele origin: germline.
Comment: In summary, the available evidence is currently insufficient to determine the role of this variant in disease. Therefore, it has been classified as a Variant of Uncertain Significance. Algorithms developed to predict the effect of missense changes on protein structure and function are either unavailable or do not agree on the potential impact of this missense change (SIFT: "Deleterious"; PolyPhen-2: "Possibly Damaging"; Align-GVGD: "Class C0"). This variant has not been reported in the literature in individuals affected with ERBB4-related conditions. This variant is present in population databases (no rsID available, gnomAD 0.01%). This sequence change replaces arginine, which is basic and polar, with serine, which is neutral and polar, at codon 1175 of the ERBB4 protein (p.Arg1175Ser).

NM_005235.3(ERBB4):c.3525A>C (p.Arg1175Ser)

Gene: ERBB4 (erb-b2 receptor tyrosine kinase 4; minus strand). Cytogenetic location: 2q34.
Variant type: single nucleotide variant.
Coding change: c.3525A>C on transcript NM_005235.3 (MANE Select); coding-DNA position 3525, A replaced by C.
Protein change: p.Arg1175Ser; replaces arginine 1175 with serine.
Molecular consequence: missense variant.
Genome position (GRCh38, 1-based): chr2:211,384,017, T>G on the plus strand (A>C on the coding strand, the complement: ERBB4 is on the minus strand). VCF-style: chr2-211384017-T-G. GRCh37 (hg19) VCF-style: chr2-212248742-T-G.
Other names: c.3477A>C, p.Arg1159Ser (NM_001042599.2); short protein forms R1159S, R1175S.
Identifiers: ClinVar variation 2632136 (VCV002632136.4), dbSNP rs1160303514, ClinGen allele CA350780288.
Genomic context (GRCh38, chr2:211,384,017, plus strand): 5'-TGGACCATTGGATGCATTGTGATATTCGGGATTATCCAATGCTTGAAGGTCTCCATTTTT[T>G]CTCCGAGAAACAAAAGGGTTCTCCTCCACTGGATTCAGGTATTCTAAAGGAATAAAAAAA-3'
Protein context (NP_005226.1, residues 1165-1185): PVEENPFVSR[Arg1175Ser]KNGDLQALDN